The following is an entry in ClinVar:

ClinVar aggregate classification (germline): Uncertain significance (1 of 4 stars; one submission).

Conditions:
RFT1-congenital disorder of glycosylation (CDG1N). Also called: RFT1-CDG; CDG In; Congenital disorder of glycosylation type In. Identifiers: Orphanet 244310, MedGen C2677590, MONDO:0012783, OMIM 612015.

Submission:

Labcorp Genetics (formerly Invitae), Labcorp
Classification: Uncertain significance for RFT1-congenital disorder of glycosylation. Last evaluated: 2020-05-29. Review status: criteria provided, single submitter. Criteria: Invitae Variant Classification Sherloc (09022015). Collection method: clinical testing. Allele origin: germline.
Comment: This sequence change falls in intron 5 of the RFT1 gene. It does not directly change the encoded amino acid sequence of the RFT1 protein, but it affects a nucleotide within the consensus splice site of the intron. This variant is not present in population databases (ExAC no frequency). This variant has not been reported in the literature in individuals with RFT1-related conditions. Nucleotide substitutions within the consensus splice site are a relatively common cause of aberrant splicing (PMID: 17576681, 9536098). Algorithms developed to predict the effect of sequence changes on RNA splicing suggest that this variant is not likely to affect RNA splicing, but this prediction has not been confirmed by published transcriptional studies. In summary, the available evidence is currently insufficient to determine the role of this variant in disease. Therefore, it has been classified as a Variant of Uncertain Significance.

Literature cited by the submitters: PubMed 17576681; PubMed 9536098.

NM_052859.4(RFT1):c.559-13dup

Gene: RFT1 (RFT1 glycolipid translocator homolog; minus strand). Cytogenetic location: 3p21.1.
Variant type: Duplication.
Coding change: c.559-13dup on transcript NM_052859.4 (MANE Select); 13 bases into the intron before coding-DNA position 559, one base duplicated (T; older notation c.559-13dupT).
Molecular consequence: intron variant.
Genome position (GRCh38, 1-based): chr3:53,120,027, A duplicated on the plus strand (T on the coding strand, the reverse complement: RFT1 is on the minus strand); the first of 8 consecutive A bases (chr3:53,120,027-53,120,034); duplicating any one gives the same sequence. VCF-style (leftmost placement, unchanged base first): chr3-53120026-G-GA. GRCh37 (hg19) VCF-style: chr3-53154042-G-GA.
Identifiers: ClinVar variation 1041796 (VCV001041796.5), dbSNP rs1277722803, ClinGen allele CA1048020575.